The following is an entry in ClinVar:

ClinVar aggregate classification (germline): Uncertain significance. Review status: criteria provided, multiple submitters, no conflicts (2 of 4 stars). 2 submissions from 2 submitters: Uncertain significance (2). Last evaluated 2025-03-04.

Submissions (2):

Center for Genomic Medicine, Rigshospitalet, Copenhagen University Hospital
Classification: Uncertain significance. Last evaluated: 2025-03-04. Review status: criteria provided, single submitter. Criteria: ACMG Guidelines, 2015. Collection method: clinical testing. Allele origin: germline.

Labcorp Genetics (formerly Invitae), Labcorp
Classification: Uncertain significance. Last evaluated: 2022-05-27. Review status: criteria provided, single submitter. Criteria: Invitae Variant Classification Sherloc (09022015). Collection method: clinical testing. Allele origin: germline.
Comment: This variant has not been reported in the literature in individuals affected with POLE-related conditions. In summary, the available evidence is currently insufficient to determine the role of this variant in disease. Therefore, it has been classified as a Variant of Uncertain Significance. Variants that disrupt the consensus splice site are a relatively common cause of aberrant splicing (PMID: 17576681, 9536098). Algorithms developed to predict the effect of sequence changes on RNA splicing suggest that this variant may create or strengthen a splice site. This variant is not present in population databases (gnomAD no frequency). This sequence change falls in intron 22 of the POLE gene. It does not directly change the encoded amino acid sequence of the POLE protein. It affects a nucleotide within the consensus splice site.

Literature cited by the submitters: PubMed 17576681 (cited by Labcorp Genetics (formerly Invitae), Labcorp); PubMed 9536098 (cited by Labcorp Genetics (formerly Invitae), Labcorp).

NM_006231.4(POLE):c.2562-3A>G

Gene: POLE (DNA polymerase epsilon, catalytic subunit; minus strand). Cytogenetic location: 12q24.33.
Variant type: single nucleotide variant.
Coding change: c.2562-3A>G on transcript NM_006231.4 (MANE Select); 3 bases into the intron before coding-DNA position 2562, A replaced by G.
Molecular consequence: intron variant.
Genome position (GRCh38, 1-based): chr12:132,664,151, T>C on the plus strand (A>G on the coding strand, the complement: POLE is on the minus strand). VCF-style: chr12-132664151-T-C. GRCh37 (hg19) VCF-style: chr12-133240737-T-C.
Identifiers: ClinVar variation 1473199 (VCV001473199.8), dbSNP rs2135957216, ClinGen allele CA2573148260.
Genomic context (GRCh38, chr12:132,664,151, plus strand): 5'-TGGGAAGCTGTTGGGCAGGACGCACCATATACCATCTGTGTCCAGCTCTAAGGGCCTCCT[T>C]CAGAGAAAGAGAGGAGCAAGGTCGTGAGTTCCCCTTTCCTTTTCACCCAGTGTGTGGCCT-3'